The following is an entry in ClinVar:

NM_000245.4(MET):c.1897C>T (p.His633Tyr)

Gene: MET (MET proto-oncogene, receptor tyrosine kinase; plus strand). Cytogenetic location: 7q31.2.
Variant type: single nucleotide variant.
Coding change: c.1897C>T on transcript NM_000245.4 (MANE Select); coding-DNA position 1897, C replaced by T.
Protein change: p.His633Tyr; replaces histidine 633 with tyrosine.
Molecular consequence: missense variant.
Genome position (GRCh38, 1-based): chr7:116,757,471, C>T. VCF-style: chr7-116757471-C-T. GRCh37 (hg19) VCF-style: chr7-116397525-C-T.
Other names: c.1897C>T, p.His633Tyr (NM_001127500.3, NM_001324401.3); c.607C>T, p.His203Tyr (NM_001324402.2); short protein forms H633Y, H203Y.
Identifiers: ClinVar variation 3020736 (VCV003020736.3), dbSNP rs2485710920, ClinGen allele CA368979314.
Genomic context (GRCh38, chr7:116,757,471, plus strand): 5'-TATTAAACTTTGGGTTTTTTTTCCAGATTGAAATGCACAGTTGGTCCTGCCATGAATAAG[C>T]ATTTCAATATGTCCATAATTATTTCAAATGGCCACGGGACAACACAATACAGTACATTCT-3'
Protein context (NP_000236.2, residues 623-643): KCTVGPAMNK[His633Tyr]FNMSIIISNG

ClinVar aggregate classification (germline): Uncertain significance (1 of 4 stars; one submission).

Conditions:
Renal cell carcinoma. Identifiers: Orphanet 217071, MedGen C0007134, MeSH D002292, MONDO:0005086, HP:0005584.

Submission:

Labcorp Genetics (formerly Invitae), Labcorp
Classification: Uncertain significance for Renal cell carcinoma. Last evaluated: 2023-11-27. Review status: criteria provided, single submitter. Criteria: Invitae Variant Classification Sherloc (09022015). Collection method: clinical testing. Allele origin: germline.
Comment: This sequence change replaces histidine, which is basic and polar, with tyrosine, which is neutral and polar, at codon 633 of the MET protein (p.His633Tyr). This variant is not present in population databases (gnomAD no frequency). This variant has not been reported in the literature in individuals affected with MET-related conditions. An algorithm developed to predict the effect of missense changes on protein structure and function (PolyPhen-2) suggests that this variant is likely to be tolerated. In summary, the available evidence is currently insufficient to determine the role of this variant in disease. Therefore, it has been classified as a Variant of Uncertain Significance.